The following is an entry in ClinVar:

NM_145167.3(PIGM):c.114C>G (p.Phe38Leu)

Gene: PIGM (phosphatidylinositol glycan anchor biosynthesis class M; minus strand). Cytogenetic location: 1q23.2.
Variant type: single nucleotide variant.
Coding change: c.114C>G on transcript NM_145167.3 (MANE Select); coding-DNA position 114, C replaced by G.
Protein change: p.Phe38Leu; replaces phenylalanine 38 with leucine.
Molecular consequence: missense variant.
Genome position (GRCh38, 1-based): chr1:160,031,626, G>C on the plus strand (C>G on the coding strand, the complement: PIGM is on the minus strand). VCF-style: chr1-160031626-G-C. GRCh37 (hg19) VCF-style: chr1-160001416-G-C.
Other names: short protein forms F38L.
Identifiers: ClinVar variation 1967671 (VCV001967671.5), dbSNP rs750229736, ClinGen allele CA343245190.

ClinVar aggregate classification (germline): Uncertain significance (1 of 4 stars; one submission).

Conditions:
Hypercoagulability syndrome due to glycosylphosphatidylinositol deficiency (GPIBD1). Also called: GLYCOSYLPHOSPHATIDYLINOSITOL BIOSYNTHESIS DEFECT 1. Identifiers: Orphanet 83639, MedGen C5201145, MONDO:0012465, OMIM 610293.

Submission:

Labcorp Genetics (formerly Invitae), Labcorp
Classification: Uncertain significance for Hypercoagulability syndrome due to glycosylphosphatidylinositol deficiency. Last evaluated: 2025-05-19. Review status: criteria provided, single submitter. Criteria: Invitae Variant Classification Sherloc (09022015). Collection method: clinical testing. Allele origin: germline.
Comment: This sequence change replaces phenylalanine, which is neutral and non-polar, with leucine, which is neutral and non-polar, at codon 38 of the PIGM protein (p.Phe38Leu). This variant is present in population databases (no rsID available, gnomAD 0.009%). This variant has not been reported in the literature in individuals affected with PIGM-related conditions. ClinVar contains an entry for this variant (Variation ID: 1967671). Invitae Evidence Modeling of protein sequence and biophysical properties (such as structural, functional, and spatial information, amino acid conservation, physicochemical variation, residue mobility, and thermodynamic stability) indicates that this missense variant is not expected to disrupt PIGM protein function with a negative predictive value of 80%. In summary, the available evidence is currently insufficient to determine the role of this variant in disease. Therefore, it has been classified as a Variant of Uncertain Significance.